The following is an entry in ClinVar:

NM_000377.3(WAS):c.690G>A (p.Lys230=)

Gene: WAS (WASP actin nucleation promoting factor; plus strand). Cytogenetic location: Xp11.23.
Variant type: single nucleotide variant.
Coding change: c.690G>A on transcript NM_000377.3 (MANE Select); coding-DNA position 690, G replaced by A.
Protein change: p.Lys230=; no amino-acid change (lysine 230 retained).
Molecular consequence: synonymous variant.
Genome position (GRCh38, 1-based): chrX:48,686,911, G>A. VCF-style: chrX-48686911-G-A. GRCh37 (hg19) VCF-style: chrX-48545300-G-A.
Identifiers: ClinVar variation 2953625 (VCV002953625.4), dbSNP rs1557006821, ClinGen allele CA516023308.
Genomic context (GRCh38, chrX:48,686,911, plus strand): 5'-ACGATACCGTGGGCTCCCAGCACCTGGACCTAGCCCAGCTGATAAGAAACGCTCAGGGAA[G>A]AAGAAGATCAGCAAAGCTGATATTGGTGCACCCAGTGGATTCAAGTGAGAGCCACTCCCC-3'
Protein context (NP_000368.1, residues 220-240): PSPADKKRSG[Lys230=]KKISKADIGA

ClinVar aggregate classification (germline): Likely benign. Review status: criteria provided, multiple submitters, no conflicts (2 of 4 stars). 2 submissions from 2 submitters: Likely benign (2). Last evaluated 2026-01-18.

Conditions:
WAS-related disorder. Also called: WAS-related condition; WAS-Related Disorders. Identifiers: MedGen CN381538.
Wiskott-Aldrich syndrome (WAS). Also called: ALDRICH SYNDROME; IMMUNODEFICIENCY 2; WISKOTT-ALDRICH SYNDROME 1; Wiskott-aldrich syndrome, somatic. Identifiers: Orphanet 906, MedGen C0043194, MONDO:0010518, OMIM 301000.
X-linked severe congenital neutropenia (SCNX). Identifiers: Orphanet 86788, MedGen C1845987, MONDO:0010294, OMIM 300299.
Thrombocytopenia 1. Also called: X-linked thrombocytopenia with normal platelets; X-Linked Thrombocytopenia (XLT); THROMBOCYTOPENIA, X-LINKED, 1. Identifiers: Orphanet 268322, Orphanet 852, MedGen C1839163, MONDO:0010743, OMIM 313900.

Allele frequency attached by ClinVar (database versions not stated): TOPMed below 0.00001.

Submissions (2):

Labcorp Genetics (formerly Invitae), Labcorp
Classification: Likely benign for Wiskott-Aldrich syndrome; X-linked severe congenital neutropenia; Thrombocytopenia 1. Last evaluated: 2026-01-18. Review status: criteria provided, single submitter. Criteria: Invitae Variant Classification Sherloc (09022015). Collection method: clinical testing. Allele origin: germline.

PreventionGenetics, part of Exact Sciences
Classification: Likely benign for WAS-related condition. Last evaluated: 2025-11-14. Review status: criteria provided, single submitter. Criteria: ACMG Guidelines, 2015. Collection method: clinical testing. Allele origin: germline.
Comment: This variant is classified as likely benign based on ACMG/AMP sequence variant interpretation guidelines (Richards et al. 2015 PMID: 25741868, with internal and published modifications).